The following is an entry in ClinVar:

ClinVar aggregate classification (germline): Uncertain significance. Review status: criteria provided, multiple submitters, no conflicts (2 of 4 stars). 3 submissions from 3 submitters: Uncertain significance (3). Last evaluated 2025-07-01.

Conditions:
Primary ciliary dyskinesia. Also called: Ciliary dyskinesia. Identifiers: Orphanet 244, MedGen C0008780, MONDO:0016575, HP:0012265.

Allele frequency attached by ClinVar (database versions not stated): gnomAD exomes below 0.00001 and 0.00004; gnomAD 0.00001.
gnomAD v4.1: 54 of 1,613,754 alleles (0.0033%); highest among the groups gnomAD compares: Non-Finnish European, 0.0045%; no homozygotes.

Submissions (3):

Labcorp Genetics (formerly Invitae), Labcorp
Classification: Uncertain significance for Primary ciliary dyskinesia. Last evaluated: 2025-07-01. Review status: criteria provided, single submitter. Criteria: Invitae Variant Classification Sherloc (09022015). Collection method: clinical testing. Allele origin: germline.
Comment: This sequence change replaces isoleucine, which is neutral and non-polar, with threonine, which is neutral and polar, at codon 3106 of the DNAH5 protein (p.Ile3106Thr). This variant is present in population databases (rs778312386, gnomAD 0.003%). This variant has not been reported in the literature in individuals affected with DNAH5-related conditions. ClinVar contains an entry for this variant (Variation ID: 1507780). Invitae Evidence Modeling of protein sequence and biophysical properties (such as structural, functional, and spatial information, amino acid conservation, physicochemical variation, residue mobility, and thermodynamic stability) indicates that this missense variant is not expected to disrupt DNAH5 protein function with a negative predictive value of 95%. In summary, the available evidence is currently insufficient to determine the role of this variant in disease. Therefore, it has been classified as a Variant of Uncertain Significance.

Ambry Genetics
Classification: Uncertain significance for Primary ciliary dyskinesia. Last evaluated: 2023-11-21. Review status: criteria provided, single submitter. Criteria: Ambry Variant Classification Scheme 2023. Collection method: clinical testing. Allele origin: germline.

Blueprint Genetics
Classification: Uncertain significance. Last evaluated: 2021-12-07. Review status: criteria provided, single submitter. Criteria: ACMG Guidelines, 2015. Collection method: clinical testing. Allele origin: germline.

NM_001369.3(DNAH5):c.9317T>C (p.Ile3106Thr)

Gene: DNAH5 (dynein axonemal heavy chain 5; minus strand). Cytogenetic location: 5p15.2.
Variant type: single nucleotide variant.
Coding change: c.9317T>C on transcript NM_001369.3 (MANE Select); coding-DNA position 9317, T replaced by C.
Protein change: p.Ile3106Thr; replaces isoleucine 3106 with threonine.
Molecular consequence: missense variant.
Genome position (GRCh38, 1-based): chr5:13,776,495, A>G on the plus strand (T>C on the coding strand, the complement: DNAH5 is on the minus strand). VCF-style: chr5-13776495-A-G. GRCh37 (hg19) VCF-style: chr5-13776604-A-G.
Other names: c.9317T>C (NM_001369.2); short protein forms I3106T.
Identifiers: ClinVar variation 1507780 (VCV001507780.8), dbSNP rs778312386, ClinGen allele CA113937653.